The following is an entry in ClinVar:

ClinVar aggregate classification (germline): Uncertain significance (1 of 4 stars; one submission).

Conditions:
Nizon-Isidor syndrome. Identifiers: MedGen C5394350, MONDO:0030030, OMIM 618872.

Submission:

Juno Genomics, Hangzhou Juno Genomics, Inc
Classification: Uncertain significance for Nizon-Isidor syndrome. Review status: criteria provided, single submitter. Criteria: ACMG Guidelines, 2015. Collection method: clinical testing. Allele origin: germline.
Comment: Absent from controls (or at extremely low frequency if recessive) in Genome Aggregation Database.;Missense variant in a gene that has a low rate of benign missense variation.

NM_001393769.1(MED12L):c.1540G>T (p.Ala514Ser)

Gene: MED12L (mediator complex subunit 12L; plus strand). Cytogenetic location: 3q25.1.
Variant type: single nucleotide variant.
Coding change: c.1540G>T on transcript NM_001393769.1 (MANE Select); coding-DNA position 1540, G replaced by T.
Protein change: p.Ala514Ser; replaces alanine 514 with serine.
Molecular consequence: missense variant.
Genome position (GRCh38, 1-based): chr3:151,185,375, G>T. VCF-style: chr3-151185375-G-T. GRCh37 (hg19) VCF-style: chr3-150903162-G-T.
Other names: c.1540G>T, p.Ala514Ser (NM_053002.6); short protein forms A514S.
Identifiers: ClinVar variation 5018527 (VCV005018527.2).
Genomic context (GRCh38, chr3:151,185,375, plus strand): 5'-TCTGTTGGTCATTAGGTTGCGCCCAACGATGAAGCTGTGGTGACGCTGTTATGTGAATGG[G>T]CCGTGAGCTGCAAACGGTCTGGCAAGCACAGGGCCATGGCTGTGGCAAAACTCCTGGAGA-3'
Protein context (NP_001380698.1, residues 504-524): EAVVTLLCEW[Ala514Ser]VSCKRSGKHR